The following is an entry in ClinVar:

NM_016180.5(SLC45A2):c.1182C>G (p.Tyr394Ter)

Gene: SLC45A2 (solute carrier family 45 member 2; minus strand). Cytogenetic location: 5p13.2.
Variant type: single nucleotide variant.
Coding change: c.1182C>G on transcript NM_016180.5 (MANE Select); coding-DNA position 1182, C replaced by G.
Protein change: p.Tyr394Ter; replaces tyrosine 394 with a stop codon.
Molecular consequence: nonsense.
Genome position (GRCh38, 1-based): chr5:33,947,349, G>C on the plus strand (C>G on the coding strand, the complement: SLC45A2 is on the minus strand). VCF-style: chr5-33947349-G-C. GRCh37 (hg19) VCF-style: chr5-33947454-G-C.
Other names: c.1182C>G, p.Tyr394Ter (NM_001012509.4); short protein forms Y394*.
Identifiers: ClinVar variation 2585181 (VCV002585181.1), dbSNP rs2478775996, ClinGen allele CA359389097.
Genomic context (GRCh38, chr5:33,947,349, plus strand): 5'-AAATCCCGTCCCCAGGCCAAACAGCAAATATCCCGTGAAGTAAAGACCCTTTAATCCAAT[G>C]TAGGATACCAAAACTTTCTGAAAGTCTGTGGGAAGAAGAGAGGGAGAAATTACAGCTGGC-3'

ClinVar aggregate classification (germline): Likely pathogenic (1 of 4 stars; one submission).

Conditions:
Oculocutaneous albinism type 4 (OCA4). Also called: Albinism, oculocutaneous, type IV. Identifiers: Orphanet 79435, MedGen C1847836, MONDO:0011683, OMIM 606574.

Submission:

Neuberg Centre For Genomic Medicine, NCGM
Classification: Likely pathogenic for Oculocutaneous albinism type 4. Review status: criteria provided, single submitter. Criteria: ACMG Guidelines, 2015. Collection method: clinical testing. Allele origin: germline. Inheritance: Autosomal recessive inheritance. Affected: yes.
Comment: The stop gained p.Y394* in SLC45A2 (NM_016180.5) has not been reported previously as a pathogenic variant nor as a benign variant, to our knowledge. The p.Y394* variant is novel (not in any individuals) in gnomAD Exomes and is novel (not in any individuals) in 1000 Genomes. This variant is predicted to cause loss of normal protein function through protein truncation. The p.Y394* variant is a loss of function variant in the gene SLC45A2, which is intolerant of Loss of Function variants. For these reasons, this variant has been classified as Likely Pathogenic.